The following is an entry in ClinVar:

ClinVar aggregate classification (germline): Benign/Likely benign. Review status: criteria provided, multiple submitters, no conflicts (2 of 4 stars). 4 submissions from 4 submitters: Benign (2); Likely benign (2). Last evaluated 2026-01-17.

Conditions:
Age related macular degeneration 1 (ARMD1). Also called: MACULOPATHY, AGE-RELATED, 1. Identifiers: MedGen C1864205, MONDO:0011285, OMIM 603075.

Allele frequency attached by ClinVar (database versions not stated): gnomAD exomes 0.00031 and 0.00069; ExAC 0.00089; gnomAD 0.00331 and 0.00356; 1000 Genomes Project 30x 0.00344; 1000 Genomes Project 0.00359; ESP Exome Variant Server 0.00361; TOPMed 0.00373.
gnomAD v4.1: 969 of 1,612,556 alleles (0.06%); highest among the groups gnomAD compares: African/African-American, 1.2%; 3 homozygotes.

Submissions (4):

Labcorp Genetics (formerly Invitae), Labcorp
Classification: Benign. Last evaluated: 2026-01-17. Review status: criteria provided, single submitter. Criteria: Invitae Variant Classification Sherloc (09022015). Collection method: clinical testing. Allele origin: germline.

Blueprint Genetics
Classification: Likely benign. Last evaluated: 2024-10-24. Review status: criteria provided, single submitter. Criteria: ACMG Guidelines, 2015. Collection method: clinical testing. Allele origin: germline.

Genome-Nilou Lab
Classification: Benign for Age related macular degeneration 1. Last evaluated: 2023-04-11. Review status: criteria provided, single submitter. Criteria: ACMG Guidelines, 2015. Collection method: clinical testing. Allele origin: germline. Affected: no.

Illumina Laboratory Services, Illumina
Classification: Likely benign for Age related macular degeneration 1. Last evaluated: 2018-01-12. Review status: criteria provided, single submitter. Criteria: ICSL Variant Classification Criteria 13 December 2019. Collection method: clinical testing. Allele origin: germline.
Comment: This variant was observed in the ICSL laboratory as part of a predisposition screen in an ostensibly healthy population. It had not been previously curated by ICSL or reported in the Human Gene Mutation Database (HGMD: prior to June 1st, 2018), and was therefore a candidate for classification through an automated scoring system. Utilizing variant allele frequency, disease prevalence and penetrance estimates, and inheritance mode, an automated score was calculated to assess if this variant is too frequent to cause the disease. Based on the score and internal cut-off values, a variant classified as likely benign is not then subjected to further curation. The score for this variant resulted in a classification of likely benign for this disease.

NM_031935.3(HMCN1):c.1152A>G (p.Lys384=)

Gene: HMCN1 (hemicentin 1; plus strand). Cytogenetic location: 1q31.1.
Variant type: single nucleotide variant.
Coding change: c.1152A>G on transcript NM_031935.3 (MANE Select); coding-DNA position 1152, A replaced by G.
Protein change: p.Lys384=; no amino-acid change (lysine 384 retained).
Molecular consequence: synonymous variant.
Genome position (GRCh38, 1-based): chr1:185,923,520, A>G. VCF-style: chr1-185923520-A-G. GRCh37 (hg19) VCF-style: chr1-185892652-A-G.
Identifiers: ClinVar variation 294105 (VCV000294105.16), dbSNP rs151284138, ClinGen allele CA1291048.